The following is an entry in ClinVar:

NM_001127464.1:c.1841G>A

Gene: ZNF469 (zinc finger protein 469; plus strand).
Variant type: single nucleotide variant.
Identifiers: ClinVar variation 4209184 (VCV004209184.1).

ClinVar aggregate classification (germline): Uncertain significance (1 of 4 stars; one submission).

Conditions:
Cardiovascular phenotype. Identifiers: MedGen CN230736.

Submission:

Ambry Genetics
Classification: Uncertain significance for Cardiovascular phenotype. Last evaluated: 2025-07-28. Review status: criteria provided, single submitter. Criteria: Ambry Variant Classification Scheme 2023. Collection method: clinical testing. Allele origin: germline.
Comment: The p.S614N variant (also known as c.1841G>A), located in coding exon 1 of the ZNF469 gene, results from a G to A substitution at nucleotide position 1841. The serine at codon 614 is replaced by asparagine, an amino acid with highly similar properties. This amino acid position is conserved. In addition, this alteration is predicted to be tolerated by in silico analysis. Based on the available evidence, the clinical significance of this variant remains unclear.